The following is an entry in ClinVar:

NM_000137.4(FAH):c.233G>A (p.Trp78Ter)

Gene: FAH (fumarylacetoacetate hydrolase; plus strand). Cytogenetic location: 15q25.1.
Variant type: single nucleotide variant.
Coding change: c.233G>A on transcript NM_000137.4 (MANE Select); coding-DNA position 233, G replaced by A.
Protein change: p.Trp78Ter; replaces tryptophan 78 with a stop codon.
Molecular consequence: nonsense.
Genome position (GRCh38, 1-based): chr15:80,159,796, G>A. VCF-style: chr15-80159796-G-A. GRCh37 (hg19) VCF-style: chr15-80452138-G-A.
Other names: c.233G>A, p.Trp78Ter (NM_001374377.1, NM_001374380.1); short protein forms W78*.
Identifiers: ClinVar variation 1455586 (VCV001455586.7), dbSNP rs1268482591, ClinGen allele CA393618831.

ClinVar aggregate classification (germline): Pathogenic. Review status: criteria provided, multiple submitters, no conflicts (2 of 4 stars). 2 submissions from 2 submitters: Pathogenic (2). Last evaluated 2025-05-16.

Conditions:
Tyrosinemia type I (TYRSN1). Also called: HEPATORENAL TYROSINEMIA; FAH DEFICIENCY; Tyrosinemia type 1; Fumarylacetoacetase deficiency; Deficiency of fumarylacetoacetase. Identifiers: Orphanet 882, MedGen C0268490, MONDO:0010161, OMIM 276700. Disease mechanism: loss of function.

Allele frequency attached by ClinVar (database versions not stated): gnomAD exomes below 0.00001; gnomAD 0.00001.
gnomAD v4.1: 2 of 1,614,114 alleles (0.00012%); highest among the groups gnomAD compares: Admixed American, 0.0033%; no homozygotes.

Submissions (2):

Myriad Genetics, Inc.
Classification: Pathogenic for Tyrosinemia type I. Last evaluated: 2025-05-16. Review status: criteria provided, single submitter. Criteria: Myriad Autosomal Dominant, Autosomal Recessive and X-Linked Classification Criteria (2023). Collection method: clinical testing. Allele origin: unknown.
Comment: NM_000137.2(FAH):c.233G>A(W78*) is a nonsense variant classified as pathogenic in the context of tyrosinemia type I. W78* has been observed in cases with relevant disease (PMID: 12203990). Relevant functional assessments of this variant are not available in the literature. W78* has been observed in referenced population frequency databases. In summary, NM_000137.2(FAH):c.233G>A(W78*) is a nonsense variant in a gene where loss of function is a known mechanism of disease, is predicted to disrupt protein function, and has been observed more frequently in cases with the relevant disease than in healthy populations. Please note: this variant was assessed in the context of healthy population screening.

Labcorp Genetics (formerly Invitae), Labcorp
Classification: Pathogenic for Tyrosinemia type I. Last evaluated: 2021-07-30. Review status: criteria provided, single submitter. Criteria: Invitae Variant Classification Sherloc (09022015). Collection method: clinical testing. Allele origin: germline.
Comment: This sequence change creates a premature translational stop signal (p.Trp78*) in the FAH gene. It is expected to result in an absent or disrupted protein product. Loss-of-function variants in FAH are known to be pathogenic (PMID: 9101289, 9633815). For these reasons, this variant has been classified as Pathogenic. This premature translational stop signal has been observed in individual(s) with hereditary tyrosinemia type I (PMID: 12203990). This variant is not present in population databases (ExAC no frequency).

Literature cited by the submitters: PubMed 12203990 (cited by Myriad Genetics, Inc. and Labcorp Genetics (formerly Invitae), Labcorp); PubMed 9101289 (cited by Labcorp Genetics (formerly Invitae), Labcorp); PubMed 9633815 (cited by Labcorp Genetics (formerly Invitae), Labcorp).